The following is an entry in ClinVar:

NM_001009944.3(PKD1):c.11201A>G (p.Tyr3734Cys)

Genes: PKD1 (polycystin 1, transient receptor potential channel interacting; minus strand), PKD1-AS1 (PKD1 antisense RNA 1; plus strand). Cytogenetic location: 16p13.3.
Variant type: single nucleotide variant.
Coding change: c.11201A>G on transcript NM_001009944.3 (MANE Select); coding-DNA position 11201, A replaced by G.
Protein change: p.Tyr3734Cys; replaces tyrosine 3734 with cysteine.
Molecular consequence: missense variant.
Genome position (GRCh38, 1-based): chr16:2,092,548, T>C on the plus strand (A>G on the coding strand, the complement: PKD1 is on the minus strand). VCF-style: chr16-2092548-T-C. GRCh37 (hg19) VCF-style: chr16-2142549-T-C.
Other names: c.11198A>G, p.Tyr3733Cys (NM_000296.4); short protein forms Y3733C, Y3734C.
Identifiers: ClinVar variation 3578959 (VCV003578959.3).

ClinVar aggregate classification (germline): Uncertain significance. Review status: criteria provided, multiple submitters, no conflicts (2 of 4 stars). 3 submissions from 3 submitters: Uncertain significance (3). Last evaluated 2025-09-09.

Conditions:
PKD1-related disorder. Also called: PKD1-related condition.
Polycystic kidney disease. Also called: Kidney, Polycystic; Polycystic kidney dysplasia. Identifiers: MedGen C0022680, MeSH D007690, MONDO:0020642, HP:0000113.
Polycystic kidney disease, adult type (PKD1). Also called: Polycystic Kidney Disease 1, Autosomal Dominant; Polycystic kidney disease 1; Polycystic kidney disease 1, severe; POLYCYSTIC KIDNEY DISEASE, ADULT, TYPE I; Polycystic Kidney, Autosomal Dominant; POLYCYSTIC KIDNEY DISEASE 1 WITH OR WITHOUT POLYCYSTIC LIVER DISEASE. Identifiers: MedGen C3149841, MONDO:0008263, OMIM 173900.

gnomAD v4.1: 110 of 1,612,464 alleles (0.0068%); highest among the groups gnomAD compares: Non-Finnish European, 0.0091%; no homozygotes.

Submissions (3):

3billion
Classification: Uncertain significance for PKD1-related disorder. Last evaluated: 2025-09-09. Review status: criteria provided, single submitter. Criteria: ACMG Guidelines, 2015. Collection method: clinical testing. Allele origin: germline. Affected: yes.
Comment: The variant is observed at an extremely low frequency in the gnomAD v4.1.0 dataset (total allele frequency: 0.007%). Predicted Consequence/Location: Missense variant In silico tool predictions suggest damaging effect of the variant on gene or gene product [REVEL: 0.83 (>=0.6, sensitivity 0.68 and specificity 0.92)]. The same nucleotide change resulting in the same amino acid change has been previously reported to be associated with PKD1-related disorder (PMID: 23300259). However, the evidence of pathogenicity is insufficient at this time. Therefore, this variant is classified as VUS according to the recommendation of ACMG/AMP guideline.

Molecular Genetics, Royal Melbourne Hospital
Classification: Uncertain significance for Polycystic kidney disease. Last evaluated: 2024-10-03. Review status: criteria provided, single submitter. Criteria: ACMG Guidelines, 2015. Collection method: clinical testing. Allele origin: germline. Inheritance: Semidominant inheritance. Affected: yes.
Comment: This sequence change in PKD1 is predicted to replace tyrosine with cysteine at codon 3734, p.(Tyr3734Cys). The tyrosine residue is moderately conserved (100 vertebrates, Multiz Alignments), and is located in the extracellular domain. There is a large physicochemical difference between tyrosine and cysteine. The highest population minor allele frequency in the population database gnomAD v4.1 is 0.009% (107/1,179,832 alleles) in the European (non-Finnish) population. The prevalence of the variant in individuals with autosomal dominant polycystic disease is significantly increased compared with the prevalence in the population (2 in 867 case genotypes vs 107 in 589,916 control genotypes; odds ratio 12.75, 95%CI=3.14-51.7; PMID: 32939031, 23300259; gnomAD v4.1). Computational evidence predicts a deleterious effect for the missense substitution (REVEL = 0.829) and predicts no impact on splicing (SpliceAI) for the nucleotide change. Based on the classification scheme RMH Modified ACMG/AMP Guidelines v1.7.0, this variant is classified as a VARIANT OF UNCERTAIN SIGNIFICANCE. Following criteria are met: PS4_Supporting, PP3.

Fulgent Genetics
Classification: Uncertain significance for Polycystic kidney disease, adult type. Last evaluated: 2024-05-16. Review status: criteria provided, single submitter. Criteria: ACMG Guidelines, 2015. Collection method: clinical testing. Allele origin: germline.

Literature cited by the submitters: PubMed 23300259 (cited by 3billion and Molecular Genetics, Royal Melbourne Hospital); PubMed 32939031 (cited by Molecular Genetics, Royal Melbourne Hospital).